The following is an entry in ClinVar:

ClinVar aggregate classification (germline): Uncertain significance (1 of 4 stars; one submission).

gnomAD v4.1: 4 of 1,614,038 alleles (0.00025%); highest among the groups gnomAD compares: African/African-American, 0.004%; no homozygotes.

Submission:

Labcorp Genetics (formerly Invitae), Labcorp
Classification: Uncertain significance. Last evaluated: 2025-11-23. Review status: criteria provided, single submitter. Criteria: Invitae Variant Classification Sherloc (09022015). Collection method: clinical testing. Allele origin: germline.
Comment: This sequence change replaces serine, which is neutral and polar, with asparagine, which is neutral and polar, at codon 743 of the BACH2 protein (p.Ser743Asn). This variant is not present in population databases (gnomAD no frequency). This variant has not been reported in the literature in individuals affected with BACH2-related conditions. Invitae Evidence Modeling of protein sequence and biophysical properties (such as structural, functional, and spatial information, amino acid conservation, physicochemical variation, residue mobility, and thermodynamic stability) indicates that this missense variant is not expected to disrupt BACH2 protein function with a negative predictive value of 80%. In summary, the available evidence is currently insufficient to determine the role of this variant in disease. Therefore, it has been classified as a Variant of Uncertain Significance.

NM_021813.4(BACH2):c.2228G>A (p.Ser743Asn)

Gene: BACH2 (BACH transcriptional regulator 2; minus strand). Cytogenetic location: 6q15.
Variant type: single nucleotide variant.
Coding change: c.2228G>A on transcript NM_021813.4 (MANE Select); coding-DNA position 2228, G replaced by A.
Protein change: p.Ser743Asn; replaces serine 743 with asparagine.
Molecular consequence: missense variant.
Genome position (GRCh38, 1-based): chr6:89,932,706, C>T on the plus strand (G>A on the coding strand, the complement: BACH2 is on the minus strand). VCF-style: chr6-89932706-C-T. GRCh37 (hg19) VCF-style: chr6-90642425-C-T.
Other names: c.2228G>A, p.Ser743Asn (NM_001170794.2); short protein forms S743N.
Identifiers: ClinVar variation 4695871 (VCV004695871.1).